The following is an entry in ClinVar:

ClinVar aggregate classification (germline): Likely pathogenic (1 of 4 stars; one submission).

Conditions:
Amelocerebrohypohidrotic syndrome (KTZS). Also called: Kohlschutter's syndrome; EPILEPSY AND YELLOW TEETH; EPILEPSY, DEMENTIA, AND AMELOGENESIS IMPERFECTA; KOHLSCHUTTER SYNDROME. Identifiers: Orphanet 1946, MedGen C0406740, MONDO:0009185, OMIM 226750.

gnomAD v4.1: 4 of 1,612,334 alleles (0.00025%); highest among the groups gnomAD compares: African/African-American, 0.0013%; no homozygotes.

Submission:

Labcorp Genetics (formerly Invitae), Labcorp
Classification: Likely pathogenic for Amelocerebrohypohidrotic syndrome. Last evaluated: 2024-04-17. Review status: criteria provided, single submitter. Criteria: Invitae Variant Classification Sherloc (09022015). Collection method: clinical testing. Allele origin: germline.
Comment: This sequence change affects an acceptor splice site in intron 7 of the ROGDI gene. It is expected to disrupt RNA splicing. Variants that disrupt the donor or acceptor splice site typically lead to a loss of protein function (PMID: 16199547), and loss-of-function variants in ROGDI are known to be pathogenic (PMID: 22424600, 23086778). This variant is not present in population databases (gnomAD no frequency). Disruption of this splice site has been observed in individual(s) with Kohlschutter's syndrome (PMID: 22424600). Algorithms developed to predict the effect of sequence changes on RNA splicing suggest that this variant may disrupt the consensus splice site. In summary, the currently available evidence indicates that the variant is pathogenic, but additional data are needed to prove that conclusively. Therefore, this variant has been classified as Likely Pathogenic.

Literature cited by the submitters: PubMed 16199547; PubMed 22424600; PubMed 23086778.

NM_024589.3(ROGDI):c.532-2A>G

Gene: ROGDI (rogdi atypical leucine zipper; minus strand). Cytogenetic location: 16p13.3.
Variant type: single nucleotide variant.
Coding change: c.532-2A>G on transcript NM_024589.3 (MANE Select); the canonical splice acceptor site of the intron before coding-DNA position 532, A replaced by G.
Molecular consequence: splice acceptor variant.
Genome position (GRCh38, 1-based): chr16:4,798,186, T>C on the plus strand (A>G on the coding strand, the complement: ROGDI is on the minus strand). VCF-style: chr16-4798186-T-C. GRCh37 (hg19) VCF-style: chr16-4848187-T-C.
Identifiers: ClinVar variation 3629173 (VCV003629173.2).
Genomic context (GRCh38, chr16:4,798,186, plus strand): 5'-TTGAGGTTGATGTAGACGTTGACCAGCAGGTCGGACGGCAGGGCAGGGGCGAACATCCGC[T>C]GCGGGAGGCAGGTGGGATGAGGCCCTCGCAAGCCCCCAGCCCAGGCTGGATGGAGCGGGG-3'